The following is an entry in ClinVar:

NM_020975.6(RET):c.1866C>T (p.Pro622=)

Gene: RET (ret proto-oncogene; plus strand). Cytogenetic location: 10q11.21.
Variant type: single nucleotide variant.
Coding change: c.1866C>T on transcript NM_020975.6 (MANE Select); coding-DNA position 1866, C replaced by T.
Protein change: p.Pro622=; no amino-acid change (proline 622 retained).
Molecular consequence: synonymous variant. On other transcripts: intron variant (2).
Genome position (GRCh38, 1-based): chr10:43,113,662, C>T. VCF-style: chr10-43113662-C-T. GRCh37 (hg19) VCF-style: chr10-43609110-C-T.
Other names: c.1866C>T, p.Pro622= (NM_000323.2, NM_001406743.1, NM_001406744.1 and 6 more transcripts); c.1104C>T, p.Pro368= (NM_001355216.2); c.1737C>T, p.Pro579= (NM_001406761.1, NM_001406762.1, NM_001406764.1 and 1 more transcripts); c.1578C>T, p.Pro526= (NM_001406766.1, NM_001406767.1, NM_001406770.1); c.1470C>T, p.Pro490= (NM_001406769.1, NM_001406772.1); c.1428C>T, p.Pro476= (NM_001406771.1, NM_001406773.1); c.1341C>T, p.Pro447= (NM_001406774.1); c.1140C>T, p.Pro380= (NM_001406775.1, NM_001406776.1, NM_001406777.1 and 1 more transcripts); and 7 more.
Identifiers: ClinVar variation 486300 (VCV000486300.23), dbSNP rs201979255, ClinGen allele CA035895.
Genomic context (GRCh38, chr10:43,113,662, plus strand): 5'-TAAAGCTGGCTATGGCACCTGCAACTGCTTCCCTGAGGAGGAGAAGTGCTTCTGCGAGCC[C>T]GAAGACATCCAGGGTGAGTGGGTGGCGGCCGGGACCACCACCACCTCCCAGCCCCACAGA-3'
Protein context (NP_066124.1, residues 612-632): FPEEEKCFCE[Pro622=]EDIQDPLCDE

ClinVar aggregate classification (germline): Benign/Likely benign. Review status: criteria provided, multiple submitters, no conflicts (2 of 4 stars). 8 submissions from 7 submitters: Benign (3); Likely benign (5). Last evaluated 2026-01-27.

Conditions:
Hereditary cancer-predisposing syndrome. Also called: Tumor predisposition; Hereditary Cancer Syndrome; Hereditary neoplastic syndrome; Neoplastic Syndromes, Hereditary. Identifiers: Orphanet 140162, MedGen C0027672, MeSH D009386, MONDO:0015356.
Multiple endocrine neoplasia, type 2 (MEN2). Identifiers: Orphanet 653, MedGen C4048306, MONDO:0019003. Disease mechanism: gain of function.
Multiple endocrine neoplasia type 2B. Also called: Multiple Endocrine Neoplasia Type 2B (MEN2B); MEN IIB; NEUROMATA, MUCOSAL, WITH ENDOCRINE TUMORS; WAGENMANN-FROBOESE SYNDROME; MULTIPLE ENDOCRINE NEOPLASIA, TYPE III; MUCOSAL NEUROMA SYNDROME. Identifiers: Orphanet 247709, Orphanet 653, MedGen C0025269, MeSH D018814, MONDO:0008082, OMIM 162300.
Pheochromocytoma. Also called: MAX-Related Hereditary Paraganglioma-Pheochromocytoma Syndrome. Identifiers: Orphanet 29072, MedGen C0031511, MONDO:0008233, OMIM 171300, HP:0002666.
Multiple endocrine neoplasia type 2A. Also called: Multiple Endocrine Neoplasia Type 2A (MEN2A); MULTIPLE ENDOCRINE NEOPLASIA, TYPE IIA; PTC SYNDROME; SIPPLE SYNDROME; MEN 2A; MEN-2A syndrome. Identifiers: Orphanet 247698, Orphanet 653, MedGen C0025268, MeSH D018813, MONDO:0008234, OMIM 171400.

Allele frequency attached by ClinVar (database versions not stated): TOPMed 0.00005; 1000 Genomes Project 30x 0.00016.
gnomAD v4.1: 22 of 1,613,218 alleles (0.0014%); highest among the groups gnomAD compares: Middle Eastern, 0.017%; no homozygotes.

Submissions (8):

Labcorp Genetics (formerly Invitae), Labcorp
Classification: Likely benign for Multiple endocrine neoplasia, type 2. Last evaluated: 2026-01-27. Review status: criteria provided, single submitter. Criteria: Invitae Variant Classification Sherloc (09022015). Collection method: clinical testing. Allele origin: germline.

Quest Diagnostics Nichols Institute San Juan Capistrano
Classification: Benign. Last evaluated: 2025-10-31. Review status: criteria provided, single submitter. Criteria: Quest Diagnostics criteria. Collection method: clinical testing. Allele origin: unknown.

Myriad Genetics, Inc.
Classification: Benign for Multiple endocrine neoplasia type 2A. Last evaluated: 2025-02-26. Review status: criteria provided, single submitter. Criteria: Myriad Autosomal Dominant, Autosomal Recessive and X-Linked Classification Criteria (2023). Collection method: clinical testing. Allele origin: unknown.
Comment: This variant is considered benign. This variant is a silent/synonymous amino acid change and it is not expected to impact splicing.

KCCC/NGS Laboratory, Kuwait Cancer Control Center
Classification: Benign for Pheochromocytoma. Last evaluated: 2025-02-01. Review status: criteria provided, single submitter. Criteria: ACMG Guidelines, 2015. Collection method: clinical testing. Allele origin: germline. Affected: no.

All of Us Research Program, National Institutes of Health
Classification: Likely benign for Multiple endocrine neoplasia, type 2. Last evaluated: 2023-12-01. Review status: criteria provided, single submitter. Criteria: ACMG Guidelines, 2015. Collection method: clinical testing. Allele origin: germline. Inheritance: Autosomal dominant inheritance. Observed: 7 variant alleles, 7 heterozygotes.
Comment: This study involves interpretation of variants in research participants for the purpose of population health screening. Participant phenotype was not available at the time of variant classification. Additional details can be found in publication PMID: 35346344, PMCID: PMC8962531

KCCC/NGS Laboratory, Kuwait Cancer Control Center
Classification: Likely benign for Multiple endocrine neoplasia type 2B. Last evaluated: 2023-07-07. Review status: criteria provided, single submitter. Criteria: ACMG Guidelines, 2015. Collection method: clinical testing. Allele origin: germline. Affected: yes.

Color Diagnostics, LLC DBA Color Health
Classification: Likely benign for Multiple endocrine neoplasia, type 2. Last evaluated: 2022-11-06. Review status: criteria provided, single submitter. Criteria: ACMG Guidelines, 2015. Collection method: clinical testing. Allele origin: germline.

Ambry Genetics
Classification: Likely benign for Hereditary cancer-predisposing syndrome. Last evaluated: 2016-08-12. Review status: criteria provided, single submitter. Criteria: Ambry Variant Classification Scheme 2023. Collection method: clinical testing. Allele origin: germline.